The following is an entry in ClinVar:

ClinVar aggregate classification (germline): Likely pathogenic (1 of 4 stars; one submission).

Conditions:
Hyperlipoproteinemia, type I. Also called: Hyperlipoproteinemia type 1; Hyperchylomicro-nemia familial; Familial chylomicronemia; Hyperlipemia idiopathic Burger-Grutz type; Familial hyperlipo-proteinemia type 1; Hyperlipemia essential familial. Identifiers: Orphanet 309015, Orphanet 444490, MedGen C0023817, MONDO:0009387, OMIM 238600. Disease mechanism: loss of function.

Submission:

Neuberg Centre For Genomic Medicine, NCGM
Classification: Likely pathogenic for Hyperlipoproteinemia, type I. Review status: criteria provided, single submitter. Criteria: ACMG Guidelines, 2015. Collection method: clinical testing. Allele origin: germline. Inheritance: Autosomal recessive inheritance. Affected: yes.
Comment: This variant is predicted to cause loss of normal protein function either through protein truncation or nonsense-mediated mRNA decay. Loss of function variants have been previously reported to be disease causing (Rahalkar AR,et al.,2009). For these reasons, this variant has been classified as Likely Pathogenic.

NM_000237.3(LPL):c.311_312insTTTT (p.Asp105fs)

Gene: LPL (lipoprotein lipase; plus strand). Cytogenetic location: 8p21.3.
Variant type: Insertion.
Coding change: c.311_312insTTTT on transcript NM_000237.3 (MANE Select); coding-DNA positions 311 to 312, TTTT inserted.
Protein change: p.Asp105fs; shifts the reading frame from aspartic acid 105.
Molecular consequence: frameshift variant.
Genome position: GRCh38 VCF-style: chr8-19951830-C-CTTTT. GRCh37 (hg19) VCF-style: chr8-19809341-C-CTTTT.
Other names: short protein forms D105fs.
Identifiers: ClinVar variation 4086158 (VCV004086158.1).
Genomic context (GRCh38, chr8:19,951,830, plus strand): 5'-TAACAGGAATGTATGAGAGTTGGGTGCCAAAACTTGTGGCCGCCCTGTACAAGAGAGAAC[C>CTTTT]AGACTCCAATGTCATTGTGGTGGACTGGCTGTCACGGGCTCAGGAGCATTACCCAGTGTC-3'